The following is an entry in ClinVar:

ClinVar aggregate classification (germline): Uncertain significance (1 of 4 stars; one submission).

Submission:

Labcorp Genetics (formerly Invitae), Labcorp
Classification: Uncertain significance. Last evaluated: 2024-11-18. Review status: criteria provided, single submitter. Criteria: Invitae Variant Classification Sherloc (09022015). Collection method: clinical testing. Allele origin: germline.
Comment: This sequence change replaces serine, which is neutral and polar, with tyrosine, which is neutral and polar, at codon 354 of the NPAT protein (p.Ser354Tyr). Information on the frequency of this variant in the gnomAD database is not available, as this variant may be reported differently in the database. This variant has not been reported in the literature in individuals affected with NPAT-related conditions. An algorithm developed to predict the effect of missense changes on protein structure and function (PolyPhen-2) suggests that this variant is likely to be tolerated. In summary, the available evidence is currently insufficient to determine the role of this variant in disease. Therefore, it has been classified as a Variant of Uncertain Significance.

NM_002519.3(NPAT):c.1061_1062delinsAT (p.Ser354Tyr)

Gene: NPAT (nuclear protein, coactivator of histone transcription; minus strand). Cytogenetic location: 11q22.3.
Variant type: Indel.
Coding change: c.1061_1062delinsAT on transcript NM_002519.3 (MANE Select); coding-DNA positions 1061 to 1062, CC replaced by AT.
Protein change: p.Ser354Tyr; replaces serine 354 with tyrosine.
Molecular consequence: missense variant.
Genome position (GRCh38, 1-based): chr11:108,176,316-108,176,317, GG replaced by AT on the plus strand (CC replaced by AT on the coding strand, the reverse complement: NPAT is on the minus strand). VCF-style: chr11-108176316-GG-AT. GRCh37 (hg19) VCF-style: chr11-108047043-GG-AT.
Other names: c.1061_1062delinsAT, p.Ser354Tyr (NM_001321307.1); short protein forms S354Y.
Identifiers: ClinVar variation 3700443 (VCV003700443.2).